The following is an entry in ClinVar:

NM_001206927.2(DNAH8):c.11119-3del

Genes: DNAH8 (dynein axonemal heavy chain 8; plus strand), DNAH8-AS1 (DNAH8 antisense RNA 1; minus strand). Cytogenetic location: 6p21.2.
Variant type: Deletion.
Coding change: c.11119-3del on transcript NM_001206927.2 (MANE Select); 3 bases into the intron before coding-DNA position 11119, one base deleted (T; older notation c.11119-3delT).
Molecular consequence: intron variant.
Genome position (GRCh38, 1-based): chr6:38,929,508, T deleted; the last of 3 consecutive T bases (chr6:38,929,506-38,929,508); deleting any one gives the same sequence. VCF-style (leftmost placement, unchanged base first): chr6-38929505-GT-G. GRCh37 (hg19) VCF-style: chr6-38897281-GT-G.
Other names: c.10468-3del (NM_001371.4).
Identifiers: ClinVar variation 2062398 (VCV002062398.1), dbSNP rs757577568, ClinGen allele CA3790929.

ClinVar aggregate classification (germline): Uncertain significance (1 of 4 stars; one submission).

Conditions:
Primary ciliary dyskinesia. Also called: Ciliary dyskinesia. Identifiers: Orphanet 244, MedGen C0008780, MONDO:0016575, HP:0012265.

Submission:

Labcorp Genetics (formerly Invitae), Labcorp
Classification: Uncertain significance for Primary ciliary dyskinesia. Last evaluated: 2021-12-20. Review status: criteria provided, single submitter. Criteria: Invitae Variant Classification Sherloc (09022015). Collection method: clinical testing. Allele origin: germline.
Comment: This sequence change falls in intron 74 of the DNAH8 gene. It does not directly change the encoded amino acid sequence of the DNAH8 protein. This variant is present in population databases (rs757577568, gnomAD 0.007%). This variant has not been reported in the literature in individuals affected with DNAH8-related conditions. Algorithms developed to predict the effect of sequence changes on RNA splicing suggest that this variant may disrupt the consensus splice site. In summary, the available evidence is currently insufficient to determine the role of this variant in disease. Therefore, it has been classified as a Variant of Uncertain Significance.